The following is an entry in ClinVar:

ClinVar aggregate classification (germline): Likely benign. Review status: criteria provided, multiple submitters, no conflicts (2 of 4 stars). 3 submissions from 3 submitters: Likely benign (3). Last evaluated 2025-12-08.

Conditions:
Brugada syndrome 8 (BRGDA8). Identifiers: Orphanet 130, MedGen C2751083, MONDO:0013148, OMIM 613123.
Cardiovascular phenotype. Identifiers: MedGen CN230736.

Allele frequency attached by ClinVar (database versions not stated): gnomAD exomes below 0.00001; gnomAD 0.00001 and 0.00003; TOPMed 0.00001.
gnomAD v4.1: 11 of 1,613,464 alleles (0.00068%); highest among the groups gnomAD compares: East Asian, 0.0089%; 1 homozygote.

Submissions (3):

Labcorp Genetics (formerly Invitae), Labcorp
Classification: Likely benign for Brugada syndrome 8. Last evaluated: 2025-12-08. Review status: criteria provided, single submitter. Criteria: Invitae Variant Classification Sherloc (09022015). Collection method: clinical testing. Allele origin: germline.

Ambry Genetics
Classification: Likely benign for Cardiovascular phenotype. Last evaluated: 2021-10-29. Review status: criteria provided, single submitter. Criteria: Ambry Variant Classification Scheme 2023. Collection method: clinical testing. Allele origin: germline.

GeneDx
Classification: Likely benign. Last evaluated: 2017-07-12. Review status: criteria provided, single submitter. Criteria: GeneDx Variant Classification (06012015). Collection method: clinical testing. Allele origin: germline. Affected: yes.
Comment: This variant is considered likely benign or benign based on one or more of the following criteria: it is a conservative change, it occurs at a poorly conserved position in the protein, it is predicted to be benign by multiple in silico algorithms, and/or has population frequency not consistent with disease.

NM_005477.3(HCN4):c.2121G>A (p.Ala707=)

Gene: HCN4 (hyperpolarization activated cyclic nucleotide gated potassium channel 4; minus strand). Cytogenetic location: 15q24.1.
Variant type: single nucleotide variant.
Coding change: c.2121G>A on transcript NM_005477.3 (MANE Select); coding-DNA position 2121, G replaced by A.
Protein change: p.Ala707=; no amino-acid change (alanine 707 retained).
Molecular consequence: synonymous variant.
Genome position (GRCh38, 1-based): chr15:73,324,111, C>T on the plus strand (G>A on the coding strand, the complement: HCN4 is on the minus strand). VCF-style: chr15-73324111-C-T. GRCh37 (hg19) VCF-style: chr15-73616452-C-T.
Identifiers: ClinVar variation 510677 (VCV000510677.11), dbSNP rs1354885005, ClinGen allele CA491478821.